The following is an entry in ClinVar:

ClinVar aggregate classification (germline): Uncertain significance (1 of 4 stars; one submission).

Submission:

Mayo Clinic Laboratories, Mayo Clinic
Classification: Uncertain significance. Last evaluated: 2023-11-13. Review status: criteria provided, single submitter. Criteria: ACMG Guidelines, 2015. Collection method: clinical testing. Allele origin: germline. Observed: 1 variant allele.
Comment: PM2_moderate

NM_000130.5(F5):c.2707_2757dup (p.Ser919_Arg920insGlyMetArgProTrpGluAspLeuProSerGlnAspThrGlySerProSer)

Gene: F5 (coagulation factor V; minus strand). Cytogenetic location: 1q24.2.
Variant type: Duplication.
Coding change: c.2707_2757dup on transcript NM_000130.5 (MANE Select); coding-DNA positions 2707 to 2757, 51 bases duplicated.
Protein change: p.Ser919_Arg920insGlyMetArgProTrpGluAspLeuProSerGlnAspThrGlySerProSer.
Genome position (GRCh38, 1-based): chr1:169,542,333-169,542,383, 51 bases duplicated. GRCh37 (hg19): chr1:169,511,595-169,511,645.
Other names: p.Gly903_Ser919dup.
Identifiers: ClinVar variation 3380170 (VCV003380170.1).